The following is an entry in ClinVar:

NC_000019.10:g.851482T>C

Gene: ELANE (elastase, neutrophil expressed; plus strand). Cytogenetic location: 19p13.3.
Variant type: single nucleotide variant.
Genome position: GRCh38 VCF-style: chr19-851482-T-C. GRCh37 (hg19) VCF-style: chr19-851482-T-C.
Identifiers: ClinVar variation 3057191 (VCV003057191.2), dbSNP rs1373463131, ClinGen allele CA631007364.

ClinVar aggregate classification (germline): Likely benign (0 of 4 stars; one submission).

Conditions:
ELANE-related disorder. Also called: ELANE-related condition.

Submission:

PreventionGenetics, part of Exact Sciences
Classification: Likely benign for ELANE-related condition. Last evaluated: 2022-02-15. Review status: no assertion criteria provided. Collection method: clinical testing. Allele origin: germline.
Comment: This variant is classified as likely benign based on ACMG/AMP sequence variant interpretation guidelines (Richards et al. 2015 PMID: 25741868, with internal and published modifications).